The following is an entry in ClinVar:

ClinVar aggregate classification (germline): Uncertain significance (1 of 4 stars; one submission).

Allele frequency attached by ClinVar (database versions not stated): gnomAD exomes 0.00002; gnomAD 0.00003; TOPMed 0.00004; ExAC 0.00007; ESP Exome Variant Server 0.00008; 1000 Genomes Project 30x 0.00016; 1000 Genomes Project 0.00020.
gnomAD v4.1: 40 of 1,591,414 alleles (0.0025%); highest among the groups gnomAD compares: Admixed American, 0.025%; no homozygotes.

Submission:

Labcorp Genetics (formerly Invitae), Labcorp
Classification: Uncertain significance. Last evaluated: 2025-06-09. Review status: criteria provided, single submitter. Criteria: Invitae Variant Classification Sherloc (09022015). Collection method: clinical testing. Allele origin: germline.
Comment: This sequence change replaces proline, which is neutral and non-polar, with leucine, which is neutral and non-polar, at codon 108 of the POLE2 protein (p.Pro108Leu). This variant is present in population databases (rs150528954, gnomAD 0.04%). This variant has not been reported in the literature in individuals affected with POLE2-related conditions. ClinVar contains an entry for this variant (Variation ID: 2160811). An algorithm developed to predict the effect of missense changes on protein structure and function (PolyPhen-2) suggests that this variant is likely to be tolerated. In summary, the available evidence is currently insufficient to determine the role of this variant in disease. Therefore, it has been classified as a Variant of Uncertain Significance.

NM_002692.4(POLE2):c.323C>T (p.Pro108Leu)

Gene: POLE2 (DNA polymerase epsilon 2, accessory subunit; minus strand). Cytogenetic location: 14q21.3.
Variant type: single nucleotide variant.
Coding change: c.323C>T on transcript NM_002692.4 (MANE Select); coding-DNA position 323, C replaced by T.
Protein change: p.Pro108Leu; replaces proline 108 with leucine.
Molecular consequence: missense variant. On other transcripts: intron variant (1).
Genome position (GRCh38, 1-based): chr14:49,674,350, G>A on the plus strand (C>T on the coding strand, the complement: POLE2 is on the minus strand). VCF-style: chr14-49674350-G-A. GRCh37 (hg19) VCF-style: chr14-50141068-G-A.
Other names: c.323C>T, p.Pro108Leu (NM_001197331.3, NM_001348384.2); c.92C>T, p.Pro31Leu (NM_001348385.2); c.246-134C>T (NM_001197330.2); short protein forms P31L, P108L.
Identifiers: ClinVar variation 2160811 (VCV002160811.4), dbSNP rs150528954, ClinGen allele CA7173667.